The following is an entry in ClinVar:

NM_005633.4(SOS1):c.2012G>C (p.Ser671Thr)

Gene: SOS1 (SOS Ras/Rac guanine nucleotide exchange factor 1; minus strand). Cytogenetic location: 2p22.1.
Variant type: single nucleotide variant.
Coding change: c.2012G>C on transcript NM_005633.4 (MANE Select); coding-DNA position 2012, G replaced by C.
Protein change: p.Ser671Thr; replaces serine 671 with threonine.
Molecular consequence: missense variant.
Genome position (GRCh38, 1-based): chr2:39,013,918, C>G on the plus strand (G>C on the coding strand, the complement: SOS1 is on the minus strand). VCF-style: chr2-39013918-C-G. GRCh37 (hg19) VCF-style: chr2-39241059-C-G.
Other names: c.1991G>C, p.Ser664Thr (NM_001382394.1); c.2012G>C, p.Ser671Thr (NM_001382395.1); short protein forms S671T, S664T.
Identifiers: ClinVar variation 411868 (VCV000411868.9), dbSNP rs1060503525, ClinGen allele CA16610834.

ClinVar aggregate classification (germline): Uncertain significance. Review status: criteria provided, multiple submitters, no conflicts (2 of 4 stars). 2 submissions from 2 submitters: Uncertain significance (2). Last evaluated 2024-06-28.

Conditions:
RASopathy. Also called: rasopathies; Noonan spectrum disorder. Identifiers: Orphanet 536391, MedGen C5555857, MONDO:0021060.

Allele frequency attached by ClinVar (database versions not stated): gnomAD exomes 0.00001.
gnomAD v4.1: 2 of 1,608,144 alleles (0.00012%); highest among the groups gnomAD compares: Admixed American, 0.0017%; no homozygotes.

Submissions (2):

Labcorp Genetics (formerly Invitae), Labcorp
Classification: Uncertain significance for RASopathy. Last evaluated: 2024-06-28. Review status: criteria provided, single submitter. Criteria: Invitae Variant Classification Sherloc (09022015). Collection method: clinical testing. Allele origin: germline.
Comment: This sequence change replaces serine, which is neutral and polar, with threonine, which is neutral and polar, at codon 671 of the SOS1 protein (p.Ser671Thr). This variant is present in population databases (no rsID available, gnomAD 0.003%). This variant has not been reported in the literature in individuals affected with SOS1-related conditions. ClinVar contains an entry for this variant (Variation ID: 411868). Advanced modeling of protein sequence and biophysical properties (such as structural, functional, and spatial information, amino acid conservation, physicochemical variation, residue mobility, and thermodynamic stability) has been performed at Invitae for this missense variant, however the output from this modeling did not meet the statistical confidence thresholds required to predict the impact of this variant on SOS1 protein function. In summary, the available evidence is currently insufficient to determine the role of this variant in disease. Therefore, it has been classified as a Variant of Uncertain Significance.

GeneDx
Classification: Uncertain significance. Last evaluated: 2023-06-23. Review status: criteria provided, single submitter. Criteria: GeneDx Variant Classification Process June 2021. Collection method: clinical testing. Allele origin: germline. Affected: yes.
Comment: Missense variants in this gene are often considered pathogenic (HGMD); In silico analysis supports that this missense variant does not alter protein structure/function; Has not been previously published as pathogenic or benign to our knowledge; This variant is associated with the following publications: (PMID: 29493581)